The following is an entry in ClinVar:

NM_173842.3(IL1RN):c.391G>T (p.Gly131Cys)

Gene: IL1RN (interleukin 1 receptor antagonist; plus strand). Cytogenetic location: 2q14.1.
Variant type: single nucleotide variant.
Coding change: c.391G>T on transcript NM_173842.3 (MANE Select); coding-DNA position 391, G replaced by T.
Protein change: p.Gly131Cys; replaces glycine 131 with cysteine.
Molecular consequence: missense variant.
Genome position (GRCh38, 1-based): chr2:113,132,728, G>T. VCF-style: chr2-113132728-G-T. GRCh37 (hg19) VCF-style: chr2-113890305-G-T.
Other names: c.337G>T, p.Gly113Cys (NM_000577.5); c.289G>T, p.Gly97Cys (NM_001318914.2, NM_001379360.1, NM_173843.3); c.400G>T, p.Gly134Cys (NM_173841.3); short protein forms G113C, G131C, G134C, G97C.
Identifiers: ClinVar variation 1061260 (VCV001061260.7), dbSNP rs1687217114, ClinGen allele CA348296088.
Genomic context (GRCh38, chr2:113,132,728, plus strand): 5'-ACTGACCTGAGCGAGAACAGAAAGCAGGACAAGCGCTTCGCCTTCATCCGCTCAGACAGT[G>T]GCCCCACCACCAGTTTTGAGTCTGCCGCCTGCCCCGGTTGGTTCCTCTGCACAGCGATGG-3'
Protein context (NP_776214.1, residues 121-141): KRFAFIRSDS[Gly131Cys]PTTSFESAAC

ClinVar aggregate classification (germline): Uncertain significance (1 of 4 stars; one submission).

Conditions:
Sterile multifocal osteomyelitis with periostitis and pustulosis. Also called: CHRONIC RECURRENT MULTIFOCAL OSTEOMYELITIS 2, WITH PERIOSTITIS AND PUSTULOSIS. Identifiers: Orphanet 210115, MedGen C2748507, MONDO:0013021, OMIM 612852.

gnomAD v4.1: 7 of 1,614,190 alleles (0.00043%); highest among the groups gnomAD compares: East Asian, 0.0022%; no homozygotes.

Submission:

Labcorp Genetics (formerly Invitae), Labcorp
Classification: Uncertain significance for Sterile multifocal osteomyelitis with periostitis and pustulosis. Last evaluated: 2023-04-14. Review status: criteria provided, single submitter. Criteria: Invitae Variant Classification Sherloc (09022015). Collection method: clinical testing. Allele origin: germline.
Comment: This variant is not present in population databases (gnomAD no frequency). In summary, the available evidence is currently insufficient to determine the role of this variant in disease. Therefore, it has been classified as a Variant of Uncertain Significance. An algorithm developed to predict the effect of missense changes on protein structure and function (PolyPhen-2) suggests that this variant is likely to be disruptive. ClinVar contains an entry for this variant (Variation ID: 1061260). This variant has not been reported in the literature in individuals affected with IL1RN-related conditions. This sequence change replaces glycine, which is neutral and non-polar, with cysteine, which is neutral and slightly polar, at codon 134 of the IL1RN protein (p.Gly134Cys).